The following is an entry in ClinVar:

NM_014633.5(CTR9):c.979C>T (p.Gln327Ter)

Gene: CTR9 (CTR9 component of Paf1/RNA polymerase II complex; plus strand). Cytogenetic location: 11p15.4.
Variant type: single nucleotide variant.
Coding change: c.979C>T on transcript NM_014633.5 (MANE Select); coding-DNA position 979, C replaced by T.
Protein change: p.Gln327Ter; replaces glutamine 327 with a stop codon.
Molecular consequence: nonsense.
Genome position (GRCh38, 1-based): chr11:10,763,664, C>T. VCF-style: chr11-10763664-C-T. GRCh37 (hg19) VCF-style: chr11-10785211-C-T.
Other names: c.979C>T, p.Gln327Ter (NM_001346279.2); short protein forms Q327*.
Identifiers: ClinVar variation 1410869 (VCV001410869.6), dbSNP rs2135368218, ClinGen allele CA379664353.

ClinVar aggregate classification (germline): Uncertain significance (1 of 4 stars; one submission).

Allele frequency attached by ClinVar (database versions not stated): gnomAD exomes below 0.00001.
gnomAD v4.1: 1 of 1,608,288 alleles (0.000062%); highest among the groups gnomAD compares: Non-Finnish European, 0.000085%; no homozygotes.

Submission:

Labcorp Genetics (formerly Invitae), Labcorp
Classification: Uncertain significance. Last evaluated: 2021-02-27. Review status: criteria provided, single submitter. Criteria: Invitae Variant Classification Sherloc (09022015). Collection method: clinical testing. Allele origin: germline.
Comment: This variant has not been reported in the literature in individuals with CTR9-related conditions. In summary, the available evidence is currently insufficient to determine the role of this variant in disease. Therefore, it has been classified as a Variant of Uncertain Significance. This variant is not present in population databases (ExAC no frequency). This sequence change creates a premature translational stop signal (p.Gln327*) in the CTR9 gene. It is expected to result in an absent or disrupted protein product. However, the current clinical and genetic evidence is not sufficient to establish whether loss-of-function variants in CTR9 cause disease.